The following is an entry in ClinVar:

ClinVar aggregate classification (germline): Pathogenic/Likely pathogenic. Review status: criteria provided, multiple submitters, no conflicts (2 of 4 stars). 3 submissions from 3 submitters: Pathogenic (1); Likely pathogenic (1). 1 of the submissions does not count toward it. Last evaluated 2024-02-06.

Conditions:
Autosomal recessive nonsyndromic hearing loss 23. Identifiers: Orphanet 90636, MedGen C1836027, MONDO:0012293, OMIM 609533.
Usher syndrome type 1D (USH1D). Also called: USHER SYNDROME, TYPE ID. Identifiers: Orphanet 231169, Orphanet 886, MedGen C1832845, MONDO:0010984, OMIM 601067.
Usher syndrome type 1F (USH1F). Also called: USHER SYNDROME, TYPE IF. Identifiers: Orphanet 231169, Orphanet 886, MedGen C1865885, MONDO:0011186, OMIM 602083.

gnomAD v4.1: 1 of 1,613,782 alleles (0.000062%); highest among the groups gnomAD compares: Non-Finnish European, 0.000085%; no homozygotes.

Submissions (3):

Fulgent Genetics
Classification: Likely pathogenic for Usher syndrome type 1D; Usher syndrome type 1F; Autosomal recessive nonsyndromic hearing loss 23. Last evaluated: 2024-02-06. Review status: criteria provided, single submitter. Criteria: ACMG Guidelines, 2015. Collection method: clinical testing. Allele origin: germline.

Labcorp Genetics (formerly Invitae), Labcorp
Classification: Pathogenic. Last evaluated: 2021-08-19. Review status: criteria provided, single submitter. Criteria: Invitae Variant Classification Sherloc (09022015). Collection method: clinical testing. Allele origin: germline.
Comment: For these reasons, this variant has been classified as Pathogenic. ClinVar contains an entry for this variant (Variation ID: 370238). This sequence change creates a premature translational stop signal (p.Ser875*) in the PCDH15 gene. It is expected to result in an absent or disrupted protein product. Loss-of-function variants in PCDH15 are known to be pathogenic (PMID: 11398101, 11487575, 14570705). This variant is not present in population databases (ExAC no frequency). This variant has not been reported in the literature in individuals affected with PCDH15-related conditions.

Counsyl
Classification: Likely pathogenic for Usher syndrome type 1F. Last evaluated: 2015-12-21. Review status: no assertion criteria provided. Collection method: clinical testing. Allele origin: unknown. Not counted in ClinVar's aggregate classification.

Literature cited by the submitters: PubMed 11398101 (cited by Labcorp Genetics (formerly Invitae), Labcorp); PubMed 11487575 (cited by Labcorp Genetics (formerly Invitae), Labcorp); PubMed 14570705 (cited by Labcorp Genetics (formerly Invitae), Labcorp).

NM_001384140.1(PCDH15):c.2624C>A (p.Ser875Ter)

Gene: PCDH15 (protocadherin related 15; minus strand). Cytogenetic location: 10q21.1.
Variant type: single nucleotide variant.
Coding change: c.2624C>A on transcript NM_001384140.1 (MANE Select); coding-DNA position 2624, C replaced by A.
Protein change: p.Ser875Ter; replaces serine 875 with a stop codon.
Molecular consequence: nonsense.
Genome position (GRCh38, 1-based): chr10:54,020,319, G>T on the plus strand (C>A on the coding strand, the complement: PCDH15 is on the minus strand). VCF-style: chr10-54020319-G-T. GRCh37 (hg19) VCF-style: chr10-55780079-G-T.
Other names: c.2639C>A, p.Ser880Ter (NM_001142763.2, NM_001142771.2); c.2624C>A, p.Ser875Ter (NM_001142764.2, NM_001142766.2, NM_001142770.3 and 5 more transcripts); c.2411C>A, p.Ser804Ter (NM_001142765.2); c.2513C>A, p.Ser838Ter (NM_001142767.2); c.2558C>A, p.Ser853Ter (NM_001142768.2, NM_001142773.2, NM_001354404.2); c.2660C>A, p.Ser887Ter (NM_001142769.4); c.2645C>A, p.Ser882Ter (NM_001354411.2); short protein forms S875*, S880*, S853*, S804*, S882*, S887*, S838*.
Identifiers: ClinVar variation 370238 (VCV000370238.9), dbSNP rs201328768, ClinGen allele CA16041368.